The following is an entry in ClinVar:

NM_001352514.2(HLCS):c.2092del (p.Glu698fs)

Gene: HLCS (holocarboxylase synthetase; minus strand). Cytogenetic location: 21q22.13.
Variant type: Deletion.
Coding change: c.2092del on transcript NM_001352514.2 (MANE Select); coding-DNA position 2092, one base deleted (G; older notation c.2092delG).
Protein change: p.Glu698fs; shifts the reading frame from glutamic acid 698.
Molecular consequence: frameshift variant. On other transcripts: non-coding transcript variant (2).
Genome position (GRCh38, 1-based): chr21:36,765,041, C deleted on the plus strand (G on the coding strand, the reverse complement: HLCS is on the minus strand); the first of 2 consecutive C bases (chr21:36,765,041-36,765,042); deleting either gives the same sequence. VCF-style (leftmost placement, unchanged base first): chr21-36765040-TC-T. GRCh37 (hg19) VCF-style: chr21-38137341-TC-T.
Other names: c.1651del, p.Glu551fs (NM_000411.8, NM_001242784.3, NM_001242785.2 and 4 more transcripts); short protein forms E551fs, E698fs.
Identifiers: ClinVar variation 1725121 (VCV001725121.2), dbSNP rs2516872094, ClinGen allele CA2580098677.
Genomic context (GRCh38, chr21:36,765,040, plus strand): 5'-AGGGACATAGAAGGAGACTGAACTGTACCTACCTGATACTCGGGAATGGACCTCACTGCT[TC>T]CACGACAGCCACGGACATCAGATGCTGGACAAACGGGATCCTCTGTCCCAGCTGGGATCT-3'

ClinVar aggregate classification (germline): Likely pathogenic (1 of 4 stars; one submission).

Conditions:
Holocarboxylase synthetase deficiency. Also called: MULTIPLE CARBOXYLASE DEFICIENCY, EARLY ONSET. Identifiers: Orphanet 79242, MedGen C0268581, MONDO:0009666, OMIM 253270.

Submission:

Myriad Genetics, Inc.
Classification: Likely pathogenic for Holocarboxylase synthetase deficiency. Last evaluated: 2022-03-08. Review status: criteria provided, single submitter. Criteria: Myriad Women's Health Autosomal Recessive and X-Linked Classification Criteria (2021). Collection method: clinical testing. Allele origin: unknown.
Comment: NM_000411.6(HLCS):c.1651delG(E551Kfs*3) is expected to be pathogenic in the context of holocarboxylase synthetase deficiency. This variant is predicted to lead to an abnormal or absent protein product due to the creation of a premature termination codon in HLCS, a gene where loss-of-function variants are known to be pathogenic. Please note: this variant was assessed in the context of healthy population screening.